The following is an entry in ClinVar:

ClinVar aggregate classification (germline): Uncertain significance. Review status: criteria provided, multiple submitters, no conflicts (2 of 4 stars). 3 submissions from 3 submitters: Uncertain significance (2). 1 of the submissions does not count toward it. Last evaluated 2019-12-23.

Conditions:
Hereditary cancer-predisposing syndrome. Also called: Neoplastic Syndromes, Hereditary; Hereditary Cancer Syndrome; Hereditary neoplastic syndrome; Tumor predisposition. Identifiers: Orphanet 140162, MedGen C0027672, MeSH D009386, MONDO:0015356.
Ataxia-telangiectasia syndrome (AT). Also called: ATAXIA-TELANGIECTASIA, COMPLEMENTATION GROUP A; ATAXIA-TELANGIECTASIA, FRESNO VARIANT; Ataxia-telangiectasia, complementation group E; Ataxia telangiectasia (A-T); LOUIS-BAR SYNDROME; Cerebello-oculocutaneous telangiectasia. Identifiers: Orphanet 100, MedGen C0004135, MONDO:0008840, OMIM 208900.

Submissions (3):

Ambry Genetics
Classification: Uncertain significance for Hereditary cancer-predisposing syndrome. Last evaluated: 2019-12-23. Review status: criteria provided, single submitter. Criteria: Ambry Variant Classification Scheme 2023. Collection method: clinical testing. Allele origin: germline.
Comment: The p.E1277Q variant (also known as c.3829G>C), located in coding exon 25 of the ATM gene, results from a G to C substitution at nucleotide position 3829. The glutamic acid at codon 1277 is replaced by glutamine, an amino acid with highly similar properties. This nucleotide position is poorly conserved in available vertebrate species. In addition, this alteration is predicted to be tolerated by in silico analysis. Since supporting evidence is limited at this time, the clinical significance of this alteration remains unclear.

Labcorp Genetics (formerly Invitae), Labcorp
Classification: Uncertain significance for Ataxia-telangiectasia syndrome. Last evaluated: 2019-06-19. Review status: criteria provided, single submitter. Criteria: Invitae Variant Classification Sherloc (09022015). Collection method: clinical testing. Allele origin: germline.
Comment: This sequence change replaces glutamic acid with glutamine at codon 1277 of the ATM protein (p.Glu1277Gln). The glutamic acid residue is weakly conserved and there is a small physicochemical difference between glutamic acid and glutamine. In summary, the available evidence is currently insufficient to determine the role of this variant in disease. Therefore, it has been classified as a Variant of Uncertain Significance. Algorithms developed to predict the effect of missense changes on protein structure and function (SIFT, PolyPhen-2, Align-GVGD) all suggest that this variant is likely to be tolerated, but these predictions have not been confirmed by published functional studies and their clinical significance is uncertain. This variant has not been reported in the literature in individuals with ATM-related conditions. This variant is not present in population databases (ExAC no frequency).

Natera, Inc.
Classification: Uncertain significance for Ataxia-telangiectasia. Last evaluated: 2021-02-19. Review status: no assertion criteria provided. Collection method: clinical testing. Allele origin: germline. Not counted in ClinVar's aggregate classification.

NM_000051.4(ATM):c.3829G>C (p.Glu1277Gln)

Gene: ATM (ATM serine/threonine kinase; plus strand). Cytogenetic location: 11q22.3.
Variant type: single nucleotide variant.
Coding change: c.3829G>C on transcript NM_000051.4 (MANE Select); coding-DNA position 3829, G replaced by C.
Protein change: p.Glu1277Gln; replaces glutamic acid 1277 with glutamine.
Molecular consequence: missense variant.
Genome position (GRCh38, 1-based): chr11:108,284,309, G>C. VCF-style: chr11-108284309-G-C. GRCh37 (hg19) VCF-style: chr11-108155036-G-C.
Other names: c.3829G>C, p.Glu1277Gln (NM_001351834.2); short protein forms E1277Q.
Identifiers: ClinVar variation 824269 (VCV000824269.19), dbSNP rs1591645689, ClinGen allele CA382524946.